The following is an entry in ClinVar:

NM_003072.5(SMARCA4):c.1813-7T>C

Gene: SMARCA4 (SWI/SNF related BAF chromatin remodeling complex subunit ATPase 4; plus strand). Cytogenetic location: 19p13.2.
Variant type: single nucleotide variant.
Coding change: c.1813-7T>C on transcript NM_003072.5 (MANE Select); 7 bases into the intron before coding-DNA position 1813, T replaced by C.
Molecular consequence: intron variant.
Genome position (GRCh38, 1-based): chr19:11,003,022, T>C. VCF-style: chr19-11003022-T-C. GRCh37 (hg19) VCF-style: chr19-11113698-T-C.
Other names: c.1813-7T>C (NM_001128844.3, NM_001128849.3, NM_001128847.4 and 5 more transcripts).
Identifiers: ClinVar variation 470262 (VCV000470262.12), dbSNP rs1308078800, ClinGen allele CA631754560.

ClinVar aggregate classification (germline): Likely benign. Review status: criteria provided, multiple submitters, no conflicts (2 of 4 stars). 2 submissions from 2 submitters: Likely benign (2). Last evaluated 2026-07-07.

Conditions:
Rhabdoid tumor predisposition syndrome 2 (RTPS2). Identifiers: Orphanet 231108, Orphanet 69077, MedGen C2750074, MONDO:0013224, OMIM 613325.

Allele frequency attached by ClinVar (database versions not stated): gnomAD exomes 0.00002 and below 0.00001; TOPMed 0.00002; gnomAD 0.00003.
gnomAD v4.1: 27 of 1,613,896 alleles (0.0017%); highest among the groups gnomAD compares: African/African-American, 0.0027%; no homozygotes.

Submissions (2):

Myriad Genetics, Inc.
Classification: Likely benign for Rhabdoid tumor predisposition syndrome 2. Last evaluated: 2026-07-07. Review status: criteria provided, single submitter. Criteria: Myriad Autosomal Dominant, Autosomal Recessive and X-Linked Classification Criteria (2023). Collection method: clinical testing. Allele origin: unknown.
Comment: This variant is considered likely benign. This variant is intronic and is not expected to impact mRNA splicing.

Labcorp Genetics (formerly Invitae), Labcorp
Classification: Likely benign for Rhabdoid tumor predisposition syndrome 2. Last evaluated: 2026-02-03. Review status: criteria provided, single submitter. Criteria: Invitae Variant Classification Sherloc (09022015). Collection method: clinical testing. Allele origin: germline.